The following is an entry in ClinVar:

NM_020207.7(ERCC6L2):c.3493-5T>C

Gene: ERCC6L2 (ERCC excision repair 6 like 2; plus strand). Cytogenetic location: 9q22.32.
Variant type: single nucleotide variant.
Coding change: c.3493-5T>C on transcript NM_020207.7 (MANE Select); 5 bases into the intron before coding-DNA position 3493, T replaced by C.
Molecular consequence: intron variant.
Genome position (GRCh38, 1-based): chr9:96,004,515, T>C. VCF-style: chr9-96004515-T-C. GRCh37 (hg19) VCF-style: chr9-98766797-T-C.
Other names: c.3493-5T>C (NM_001375291.1, NM_001375292.1).
Identifiers: ClinVar variation 3053945 (VCV003053945.2), dbSNP rs2490733116, ClinGen allele CA2740095537.

ClinVar aggregate classification (germline): Likely benign (0 of 4 stars; one submission).

Conditions:
ERCC6L2-related disorder. Also called: ERCC6L2-related condition.

Submission:

PreventionGenetics, part of Exact Sciences
Classification: Likely benign for ERCC6L2-related condition. Last evaluated: 2020-05-07. Review status: no assertion criteria provided. Collection method: clinical testing. Allele origin: germline.
Comment: This variant is classified as likely benign based on ACMG/AMP sequence variant interpretation guidelines (Richards et al. 2015 PMID: 25741868, with internal and published modifications).